The following is an entry in ClinVar:

ClinVar aggregate classification (germline): Likely benign (1 of 4 stars; one submission).

Allele frequency attached by ClinVar (database versions not stated): TOPMed 0.00004; gnomAD 0.00007; gnomAD exomes 0.00010; ExAC 0.00013.
gnomAD v4.1: 155 of 1,614,186 alleles (0.0096%); highest among the groups gnomAD compares: South Asian, 0.094%; 1 homozygote.

Submission:

CeGaT Center for Human Genetics Tuebingen
Classification: Likely benign. Last evaluated: 2022-08-01. Review status: criteria provided, single submitter. Criteria: CeGaT Center For Human Genetics Tuebingen Variant Classification Criteria Version 2. Collection method: clinical testing. Allele origin: germline. Affected: yes. Observed: 1 variant allele.
Comment: MARF1: BP4, BP7

NM_014647.4(MARF1):c.1827G>A (p.Lys609=)

Gene: MARF1 (meiosis regulator and mRNA stability factor 1; minus strand). Cytogenetic location: 16p13.11.
Variant type: single nucleotide variant.
Coding change: c.1827G>A on transcript NM_014647.4 (MANE Select); coding-DNA position 1827, G replaced by A.
Protein change: p.Lys609=; no amino-acid change (lysine 609 retained).
Molecular consequence: synonymous variant.
Genome position (GRCh38, 1-based): chr16:15,625,498, C>T on the plus strand (G>A on the coding strand, the complement: MARF1 is on the minus strand). VCF-style: chr16-15625498-C-T. GRCh37 (hg19) VCF-style: chr16-15719355-C-T.
Other names: c.1824G>A, p.Lys608= (NM_001184998.2); c.1818G>A, p.Lys606= (NM_001184999.2).
Identifiers: ClinVar variation 2646253 (VCV002646253.24), dbSNP rs748037890, ClinGen allele CA7919972.
Genomic context (GRCh38, chr16:15,625,498, plus strand): 5'-CGTGGCTTTGGCACTGGAAGATTGTTCACTTGCATCTTTGATGAGGCACAATTTTGGATT[C>T]TTAAGTTTTTTGGGAGACTTCACTTTATCAGCAATTGCATTTGAACTCTTTGTTTCACAG-3'
Protein context (NP_055462.2, residues 599-619): ADKVKSPKKL[Lys609=]NPKLCLIKDA